The following is an entry in ClinVar:

ClinVar aggregate classification (germline): Uncertain significance (1 of 4 stars; one submission).

Submission:

Labcorp Genetics (formerly Invitae), Labcorp
Classification: Uncertain significance. Last evaluated: 2022-04-20. Review status: criteria provided, single submitter. Criteria: Invitae Variant Classification Sherloc (09022015). Collection method: clinical testing. Allele origin: germline.
Comment: This sequence change replaces serine, which is neutral and polar, with threonine, which is neutral and polar, at codon 476 of the AUTS2 protein (p.Ser476Thr). In summary, the available evidence is currently insufficient to determine the role of this variant in disease. Therefore, it has been classified as a Variant of Uncertain Significance. Algorithms developed to predict the effect of sequence changes on RNA splicing suggest that this variant may create or strengthen a splice site. Algorithms developed to predict the effect of missense changes on protein structure and function output the following: SIFT: "Tolerated"; PolyPhen-2: "Benign"; Align-GVGD: "Class C0". The threonine amino acid residue is found in multiple mammalian species, which suggests that this missense change does not adversely affect protein function. This variant has not been reported in the literature in individuals affected with AUTS2-related conditions. This variant is not present in population databases (gnomAD no frequency).

NM_015570.4(AUTS2):c.1427G>C (p.Ser476Thr)

Gene: AUTS2 (activator of transcription and developmental regulator AUTS2; plus strand). Cytogenetic location: 7q11.22.
Variant type: single nucleotide variant.
Coding change: c.1427G>C on transcript NM_015570.4 (MANE Select); coding-DNA position 1427, G replaced by C.
Protein change: p.Ser476Thr; replaces serine 476 with threonine.
Molecular consequence: missense variant.
Genome position (GRCh38, 1-based): chr7:70,764,964, G>C. VCF-style: chr7-70764964-G-C. GRCh37 (hg19) VCF-style: chr7-70229950-G-C.
Other names: c.1427G>C, p.Ser476Thr (NM_001127231.3); short protein forms S476T.
Identifiers: ClinVar variation 2128562 (VCV002128562.4), dbSNP rs2484667057, ClinGen allele CA367668539.